The following is an entry in ClinVar:

NM_001042646.3(TRAK1):c.702G>A (p.Leu234=)

Gene: TRAK1 (trafficking kinesin protein 1; plus strand). Cytogenetic location: 3p22.1.
Variant type: single nucleotide variant.
Coding change: c.702G>A on transcript NM_001042646.3 (MANE Select); coding-DNA position 702, G replaced by A.
Protein change: p.Leu234=; no amino-acid change (leucine 234 retained).
Molecular consequence: synonymous variant. On other transcripts: non-coding transcript variant (1).
Genome position (GRCh38, 1-based): chr3:42,191,569, G>A. VCF-style: chr3-42191569-G-A. GRCh37 (hg19) VCF-style: chr3-42233061-G-A.
Other names: c.702G>A, p.Leu234= (NM_001265608.2, NM_001349246.2, NM_001349247.2); c.480G>A, p.Leu160= (NM_001265609.2, NM_001265610.1, NM_001349248.1 and 1 more transcripts); c.390G>A, p.Leu130= (NM_001349245.1); c.528G>A, p.Leu176= (NM_001410741.1, NM_014965.5); c.702G>A (NM_001042646.2).
Identifiers: ClinVar variation 2061248 (VCV002061248.30), dbSNP rs748755351, ClinGen allele CA2333218.

ClinVar aggregate classification (germline): Likely benign. Review status: criteria provided, multiple submitters, no conflicts (2 of 4 stars). 4 submissions from 4 submitters: Likely benign (3). 1 of the submissions does not count toward it. Last evaluated 2026-01-06.

Conditions:
TRAK1-related disorder. Also called: TRAK1-related condition.

Allele frequency attached by ClinVar (database versions not stated): TOPMed 0.00005; gnomAD 0.00007; gnomAD exomes 0.00008; ExAC 0.00035.
gnomAD v4.1: 118 of 1,596,784 alleles (0.0074%); highest among the groups gnomAD compares: Non-Finnish European, 0.0097%; no homozygotes.

Submissions (4):

Labcorp Genetics (formerly Invitae), Labcorp
Classification: Likely benign. Last evaluated: 2026-01-06. Review status: criteria provided, single submitter. Criteria: Invitae Variant Classification Sherloc (09022015). Collection method: clinical testing. Allele origin: germline.

Blueprint Genetics
Classification: Likely benign. Last evaluated: 2024-11-11. Review status: criteria provided, single submitter. Criteria: ACMG Guidelines, 2015. Collection method: clinical testing. Allele origin: germline.

CeGaT Center for Human Genetics Tuebingen
Classification: Likely benign. Last evaluated: 2022-11-01. Review status: criteria provided, single submitter. Criteria: CeGaT Center For Human Genetics Tuebingen Variant Classification Criteria Version 2. Collection method: clinical testing. Allele origin: germline. Affected: yes. Observed: 1 variant allele.
Comment: TRAK1: BP4, BP7

PreventionGenetics, part of Exact Sciences
Classification: Likely benign for TRAK1-related condition. Last evaluated: 2019-07-12. Review status: no assertion criteria provided. Collection method: clinical testing. Allele origin: germline. Not counted in ClinVar's aggregate classification.
Comment: This variant is classified as likely benign based on ACMG/AMP sequence variant interpretation guidelines (Richards et al. 2015 PMID: 25741868, with internal and published modifications).